The following is an entry in ClinVar:

ClinVar aggregate classification (germline): Uncertain significance (1 of 4 stars; one submission).

Conditions:
Cardiovascular phenotype. Identifiers: MedGen CN230736.

Submission:

Ambry Genetics
Classification: Uncertain significance for Cardiovascular phenotype. Last evaluated: 2025-05-19. Review status: criteria provided, single submitter. Criteria: Ambry Variant Classification Scheme 2023. Collection method: clinical testing. Allele origin: germline.
Comment: The p.K351R variant (also known as c.1052A>G), located in coding exon 7 of the SPRED1 gene, results from an A to G substitution at nucleotide position 1052. The lysine at codon 351 is replaced by arginine, an amino acid with highly similar properties. This amino acid position is conserved. In addition, this alteration is predicted to be tolerated by in silico analysis. Based on the available evidence, the clinical significance of this variant remains unclear.

NM_152594.3(SPRED1):c.1052A>G (p.Lys351Arg)

Gene: SPRED1 (sprouty related EVH1 domain containing 1; plus strand). Cytogenetic location: 15q14.
Variant type: single nucleotide variant.
Coding change: c.1052A>G on transcript NM_152594.3 (MANE Select); coding-DNA position 1052, A replaced by G.
Protein change: p.Lys351Arg; replaces lysine 351 with arginine.
Molecular consequence: missense variant.
Genome position (GRCh38, 1-based): chr15:38,351,381, A>G. VCF-style: chr15-38351381-A-G. GRCh37 (hg19) VCF-style: chr15-38643582-A-G.
Other names: short protein forms K351R.
Identifiers: ClinVar variation 3961396 (VCV003961396.1).
Genomic context (GRCh38, chr15:38,351,381, plus strand): 5'-AACGTTCTCGCTGCGTATACTGCCAGGAAAGGTTTAATCATGAAGAAAATGTTAGGGGAA[A>G]ATGTCAGGATGCTCCAGACCCTATTAAAAGATGCATATATCAAGTTAGTTGCATGCTCTG-3'
Protein context (NP_689807.1, residues 341-361): RFNHEENVRG[Lys351Arg]CQDAPDPIKR